The following is an entry in ClinVar:

ClinVar aggregate classification (germline): Likely pathogenic. Review status: reviewed by expert panel (3 of 4 stars). 5 submissions from 5 submitters: Likely pathogenic (1). 4 of the submissions do not count toward it. Last evaluated 2018-12-09.

Conditions:
Phenylketonuria (PKU). Also called: Phenylketonurias; Phenylketonuria (PKU); OLIGOPHRENIA PHENYLPYRUVICA; FOLLING DISEASE. Identifiers: Orphanet 716, MedGen C0031485, MONDO:0009861, OMIM 261600. Disease mechanism: loss of function.

Allele frequency attached by ClinVar (database versions not stated): TOPMed 0.00001; gnomAD exomes 0.00003; gnomAD 0.00001.
gnomAD v4.1: 41 of 1,613,552 alleles (0.0025%); highest among the groups gnomAD compares: Middle Eastern, 0.016%; no homozygotes.

Submissions (5):

ClinGen PAH Variant Curation Expert Panel
Classification: Likely pathogenic for Phenylketonuria. Last evaluated: 2018-12-09. Review status: reviewed by expert panel. Criteria: ClinGen PAH ACMG Specifications v1. Collection method: curation. Allele origin: germline. Inheritance: Autosomal recessive inheritance.
Comment: BH4 cofactor deficiency was excluded. It was detected with a known pathogenic variant, EX6-96A>G (VarID 590). (PMID: 26503515, 28982351) This variant has a low frequency in gnomAD and ExAC (MAF=0.00002), and absent in 1000G. Computational evidence is conflicting. In summary, this variant meets criteria to be classified as likely pathogenic for PAH. PAH-specific ACMG/AMP criteria applied: PM2, PP4_Moderate, PM3.

Labcorp Genetics (formerly Invitae), Labcorp
Classification: Pathogenic for Phenylketonuria. Last evaluated: 2023-10-10. Review status: criteria provided, single submitter. Criteria: Invitae Variant Classification Sherloc (09022015). Collection method: clinical testing. Allele origin: germline. Not counted in ClinVar's aggregate classification.
Comment: This sequence change replaces glutamine, which is neutral and polar, with lysine, which is basic and polar, at codon 429 of the PAH protein (p.Gln429Lys). This variant is present in population databases (rs764974157, gnomAD 0.002%). This missense change has been observed in individual(s) with hyperphenylalaninemia (PMID: 26503515, 28982351, 30747360). In at least one individual the data is consistent with being in trans (on the opposite chromosome) from a pathogenic variant. ClinVar contains an entry for this variant (Variation ID: 551555). Advanced modeling of protein sequence and biophysical properties (such as structural, functional, and spatial information, amino acid conservation, physicochemical variation, residue mobility, and thermodynamic stability) performed at Invitae indicates that this missense variant is not expected to disrupt PAH protein function. For these reasons, this variant has been classified as Pathogenic.

Blueprint Genetics
Classification: Uncertain significance. Last evaluated: 2022-12-15. Review status: criteria provided, single submitter. Criteria: ACMG Guidelines, 2015. Collection method: clinical testing. Allele origin: germline. Not counted in ClinVar's aggregate classification.

Counsyl
Classification: Uncertain significance for Phenylketonuria. Last evaluated: 2017-04-18. Review status: no assertion criteria provided. Collection method: clinical testing. Allele origin: unknown. Not counted in ClinVar's aggregate classification.

Medical Laboratory Center, Huzhou Maternal and Child Health Hospital
Classification: Likely pathogenic for Phenylketonuria. Review status: no assertion criteria provided. Collection method: research. Allele origin: germline. Not counted in ClinVar's aggregate classification.

Literature cited by the submitters: PubMed 28982351 (cited by ClinGen PAH Variant Curation Expert Panel and Labcorp Genetics (formerly Invitae), Labcorp); PubMed 26503515 (cited by 3 submitters); PubMed 30747360 (cited by Labcorp Genetics (formerly Invitae), Labcorp).

NM_000277.3(PAH):c.1285C>A (p.Gln429Lys)

Gene: PAH (phenylalanine hydroxylase; minus strand). Cytogenetic location: 12q23.2.
Variant type: single nucleotide variant.
Coding change: c.1285C>A on transcript NM_000277.3 (MANE Select); coding-DNA position 1285, C replaced by A.
Protein change: p.Gln429Lys; replaces glutamine 429 with lysine.
Molecular consequence: missense variant.
Genome position (GRCh38, 1-based): chr12:102,840,430, G>T on the plus strand (C>A on the coding strand, the complement: PAH is on the minus strand). VCF-style: chr12-102840430-G-T. GRCh37 (hg19) VCF-style: chr12-103234208-G-T.
Other names: c.1285C>A, p.Gln429Lys (NM_001354304.2); short protein forms Q429K.
Identifiers: ClinVar variation 551555 (VCV000551555.13), dbSNP rs764974157, ClinGen allele CA6748701.